The following is an entry in ClinVar:

NM_000059.4(BRCA2):c.4859T>G (p.Leu1620Ter)

Gene: BRCA2 (BRCA2 DNA repair associated; plus strand). Cytogenetic location: 13q13.1.
Variant type: single nucleotide variant.
Coding change: c.4859T>G on transcript NM_000059.4 (MANE Select); coding-DNA position 4859, T replaced by G.
Protein change: p.Leu1620Ter; replaces leucine 1620 with a stop codon.
Molecular consequence: nonsense.
Genome position (GRCh38, 1-based): chr13:32,339,214, T>G. VCF-style: chr13-32339214-T-G. GRCh37 (hg19) VCF-style: chr13-32913351-T-G.
Other names: short protein forms L1620*.
Identifiers: ClinVar variation 51730 (VCV000051730.22), dbSNP rs80358710, ClinGen allele CA020929.
Genomic context (GRCh38, chr13:32,339,214, plus strand): 5'-ATGATAAAAACCTTGTTTCTATTGAGACTGTGGTGCCACCTAAGCTCTTAAGTGATAATT[T>G]ATGTAGACAAACTGAAAATCTCAAAACATCAAAAAGTATCTTTTTGAAAGTTAAAGTACA-3'

ClinVar aggregate classification (germline): Pathogenic. Review status: reviewed by expert panel (3 of 4 stars). 11 submissions from 11 submitters: Pathogenic (1). 10 of the submissions do not count toward it. Last evaluated 2016-09-08.

Conditions:
Hereditary breast ovarian cancer syndrome. Also called: Hereditary breast and ovarian cancer syndrome; Hereditary breast and ovarian cancer; Hereditary breast and ovarian cancer syndrome (HBOC); Breast and ovarian cancer; Hereditary breast and/or ovarian cancer syndrome; BRCA1- and BRCA2-Associated Hereditary Breast and Ovarian Cancer. Identifiers: Orphanet 145, MedGen C0677776, MeSH D061325, MONDO:0003582. Disease mechanism: loss of function.
Inherited ovarian cancer (without breast cancer).
BRCA2-related cancer predisposition. Identifiers: MedGen CN377758, MONDO:0700269.
Hereditary cancer-predisposing syndrome. Also called: Neoplastic Syndromes, Hereditary; Tumor predisposition; Hereditary neoplastic syndrome; Hereditary Cancer Syndrome. Identifiers: Orphanet 140162, MedGen C0027672, MeSH D009386, MONDO:0015356.
Breast-ovarian cancer, familial, susceptibility to, 2 (BROVCA2). Also called: BRCA2 Hereditary Breast and Ovarian Cancer. Identifiers: Orphanet 145, MedGen C2675520, MONDO:0012933, OMIM 612555. Disease mechanism: loss of function.

Allele frequency attached by ClinVar (database versions not stated): gnomAD exomes below 0.00001.
gnomAD v4.1: 8 of 1,613,332 alleles (0.0005%); highest among the groups gnomAD compares: Non-Finnish European, 0.00068%; no homozygotes.

Submissions (11):

Evidence-based Network for the Interpretation of Germline Mutant Alleles (ENIGMA)
Classification: Pathogenic for Breast-ovarian cancer, familial, susceptibility to, 2. Last evaluated: 2016-09-08. Review status: reviewed by expert panel. Criteria: ENIGMA BRCA1/2 Classification Criteria (2015). Collection method: curation. Allele origin: germline.
Comment: Variant allele predicted to encode a truncated non-functional protein.

NHS Central & South Genomic Laboratory Hub
Classification: Pathogenic for Inherited ovarian cancer (without breast cancer). Last evaluated: 2025-04-09. Review status: criteria provided, single submitter. Criteria: ACMG Guidelines, 2015. Collection method: clinical testing. Allele origin: germline. Affected: yes. Not counted in ClinVar's aggregate classification.

Labcorp Genetics (formerly Invitae), Labcorp
Classification: Pathogenic for Hereditary breast ovarian cancer syndrome. Last evaluated: 2024-09-12. Review status: criteria provided, single submitter. Criteria: Invitae Variant Classification Sherloc (09022015). Collection method: clinical testing. Allele origin: germline. Not counted in ClinVar's aggregate classification.
Comment: This sequence change creates a premature translational stop signal (p.Leu1620*) in the BRCA2 gene. It is expected to result in an absent or disrupted protein product. Loss-of-function variants in BRCA2 are known to be pathogenic (PMID: 20104584). This variant is present in population databases (rs80358710, gnomAD 0.0009%). This premature translational stop signal has been observed in individual(s) with ovarian cancer (PMID: 11179017). This variant is also known as T5087G. ClinVar contains an entry for this variant (Variation ID: 51730). For these reasons, this variant has been classified as Pathogenic.

Department of Pathology and Laboratory Medicine, Sinai Health System
Classification: Pathogenic for BRCA2-related cancer predisposition. Last evaluated: 2024-06-25. Review status: criteria provided, single submitter. Criteria: ACMG Guidelines, 2015. Collection method: clinical testing. Allele origin: germline. Not counted in ClinVar's aggregate classification.

Color Diagnostics, LLC DBA Color Health
Classification: Pathogenic for Hereditary cancer-predisposing syndrome. Last evaluated: 2021-01-04. Review status: criteria provided, single submitter. Criteria: ACMG Guidelines, 2015. Collection method: clinical testing. Allele origin: germline. Not counted in ClinVar's aggregate classification.
Comment: This variant changes 1 nucleotide in exon 11 of the BRCA2 gene, creating a premature translation stop signal. This variant is expected to result in an absent or non-functional protein product. To our knowledge, functional studies have not been reported for this variant. This variant has been reported in individuals affected with breast cancer (PMID: 21324516). This variant has been identified in 1/249834 chromosomes in the general population by the Genome Aggregation Database (gnomAD). Loss of BRCA2 function is a known mechanism of disease. Based on the available evidence, this variant is classified as Pathogenic.

Ambry Genetics
Classification: Pathogenic for Hereditary cancer-predisposing syndrome. Last evaluated: 2020-12-18. Review status: criteria provided, single submitter. Criteria: Ambry Variant Classification Scheme 2023. Collection method: clinical testing. Allele origin: germline. Not counted in ClinVar's aggregate classification.
Comment: The p.L1620* pathogenic mutation (also known as c.4859T>G), located in coding exon 10 of the BRCA2 gene, results from a T to G substitution at nucleotide position 4859. This changes the amino acid from a leucine to a stop codon within coding exon 10. This alteration was also identified in a large, worldwide study of BRCA1/2 mutation positive families (Rebbeck TR et al. Hum Mutat, 2018 05;39:593-620). Of note, this alteration is also described in the literature as T5087G. In addition to the clinical data presented in the literature, this alteration is expected to result in loss of function by premature protein truncation or nonsense-mediated mRNA decay. As such, this alteration is interpreted as a disease-causing mutation.

Laboratory for Molecular Medicine, Mass General Brigham Personalized Medicine
Classification: Pathogenic for Hereditary breast ovarian cancer syndrome. Last evaluated: 2019-10-14. Review status: criteria provided, single submitter. Criteria: ACMG Guidelines, 2015. Collection method: clinical testing. Allele origin: germline. Not counted in ClinVar's aggregate classification.
Comment: The p.Leu1620X variant in BRCA2 has been reported in at least 4 individuals with breast or ovarian cancer (Risch 2001, Zhang 2011, BIC database). It has also been identified in 1/113080 European chromosomes by gnomAD; however, this frequency is low enough to be consistent with the frequency of hereditary breast and ovarian cancer (HBOC) in the general population. This variant leads to a premature termination codon at position 1620, which is predicted to lead to a truncated or absent protein. Loss of function of the BRCA2 gene is an established disease mechanism in autosomal dominant hereditary breast and ovarian cancer syndrome (HBOC). Additionally, this variant was classified as Pathogenic on Sept 8, 2016 by the ClinGen-approved ENIGMA expert panel (Variation ID: 51730). In summary, this variant meets criteria to be classified as pathogenic for autosomal dominant HBOC. ACMG/AMP Criteria applied: PVS1, PM2, PS4_Supporting.

GeneDx
Classification: Pathogenic. Last evaluated: 2016-10-05. Review status: criteria provided, single submitter. Criteria: GeneDx Variant Classification (06012015). Collection method: clinical testing. Allele origin: germline. Affected: yes. Not counted in ClinVar's aggregate classification.
Comment: This variant is denoted BRCA2 c.4859T>G at the cDNA level and p.Leu1620Ter (L1620X) at the protein level. Using alternate nomenclature, this variant has been published as BRCA2 c.5087T>G. The substitution creates a nonsense variant, which changes a Leucine to a premature stop codon (TTA>TGA), and is predicted to cause loss of normal protein function through either protein truncation or nonsense-mediated mRNA decay. This variant has been reported in individuals with ovarian cancer and is considered pathogenic (Risch 2006, Zhang 2011).

Consortium of Investigators of Modifiers of BRCA1/2 (CIMBA), c/o University of Cambridge
Classification: Pathogenic for Breast-ovarian cancer, familial, susceptibility to, 2. Last evaluated: 2015-10-02. Review status: criteria provided, single submitter. Criteria: CIMBA Mutation Classification guidelines May 2016. Collection method: clinical testing. Allele origin: germline. Not counted in ClinVar's aggregate classification.

Research Molecular Genetics Laboratory, Women's College Hospital, University of Toronto
Classification: Pathogenic for Hereditary breast ovarian cancer syndrome. Last evaluated: 2014-01-31. Review status: no assertion criteria provided. Collection method: research. Allele origin: germline. Affected: yes. Study: The Canadian Open Genetics Repository (COGR). Not counted in ClinVar's aggregate classification.

Breast Cancer Information Core (BIC) (BRCA2)
Classification: Pathogenic for Breast-ovarian cancer, familial 2. Last evaluated: 2002-05-29. Review status: no assertion criteria provided. Collection method: clinical testing. Allele origin: germline. Affected: yes. Observed: 2 variant alleles. Not counted in ClinVar's aggregate classification.

Literature cited by the submitters: PubMed 20104584 (cited by Labcorp Genetics (formerly Invitae), Labcorp); PubMed 11179017 (cited by 4 submitters); PubMed 29446198 (cited by Department of Pathology and Laboratory Medicine, Sinai Health System and Ambry Genetics); PubMed 21324516 (cited by Laboratory for Molecular Medicine, Mass General Brigham Personalized Medicine).